The following is an entry in ClinVar:

NM_000203.5(IDUA):c.1828+5G>A

Gene: IDUA (alpha-L-iduronidase; plus strand). Cytogenetic location: 4p16.3.
Variant type: single nucleotide variant.
Coding change: c.1828+5G>A on transcript NM_000203.5 (MANE Select); 5 bases into the intron after coding-DNA position 1828, G replaced by A.
Molecular consequence: intron variant.
Genome position (GRCh38, 1-based): chr4:1,004,117, G>A. VCF-style: chr4-1004117-G-A. GRCh37 (hg19) VCF-style: chr4-997905-G-A.
Other names: c.1432+5G>A (NM_001363576.1).
Identifiers: ClinVar variation 928996 (VCV000928996.10), dbSNP rs565649151, ClinGen allele CA2802421.

ClinVar aggregate classification (germline): Uncertain significance. Review status: criteria provided, multiple submitters, no conflicts (2 of 4 stars). 6 submissions from 6 submitters: Uncertain significance (5). 1 of the submissions does not count toward it. Last evaluated 2025-09-29.

Conditions:
Mucopolysaccharidosis type 1. Also called: Mucopolysaccharidosis Type I; IDUA deficiency; MPS I. Identifiers: Orphanet 579, MedGen C0023786, MONDO:0001586.

Allele frequency attached by ClinVar (database versions not stated): ExAC 0.00006; gnomAD exomes 0.00009 and 0.00002; 1000 Genomes Project 30x 0.00016; 1000 Genomes Project 0.00020; gnomAD 0.00002 and 0.00003; TOPMed 0.00003.
gnomAD v4.1: 41 of 1,612,698 alleles (0.0025%); highest among the groups gnomAD compares: East Asian, 0.058%; no homozygotes.

Submissions (6):

Women's Health and Genetics/Laboratory Corporation of America, LabCorp
Classification: Uncertain significance. Last evaluated: 2025-09-29. Review status: criteria provided, single submitter. Criteria: LabCorp Variant Classification Summary - May 2015. Collection method: clinical testing. Allele origin: germline.
Comment: Variant summary: IDUA c.1828+5G>A alters a nucleotide located close to a canonical splice site and therefore could affect mRNA splicing, leading to a significantly altered protein sequence. Several computational tools predict a significant impact on normal splicing: One predict the variant abolishes a 5 splicing donor site. Three predict the variant weakens a 5' donor site. However, these predictions have yet to be confirmed by functional studies. The variant allele was found at a frequency of 8.8e-05 in 250594 control chromosomes. This frequency is not significantly higher than estimated for disease-causing variants in IDUA, allowing no conclusion about variant significance. c.1828+5G>A has been observed in individual(s) affected with Mucopolysaccharidosis Type 1 (Chuang_2021). These report(s) do not provide unequivocal conclusions about association of the variant with Mucopolysaccharidosis Type 1. To our knowledge, no experimental evidence demonstrating an impact on protein function has been reported. The following publication has been ascertained in the context of this evaluation (PMID: 34573925). ClinVar contains an entry for this variant (Variation ID: 928996). Based on the evidence outlined above, the variant was classified as uncertain significance.

Blueprint Genetics
Classification: Uncertain significance. Last evaluated: 2023-09-27. Review status: criteria provided, single submitter. Criteria: ACMG Guidelines, 2015. Collection method: clinical testing. Allele origin: germline.

Labcorp Genetics (formerly Invitae), Labcorp
Classification: Uncertain significance for Mucopolysaccharidosis type 1. Last evaluated: 2022-03-17. Review status: criteria provided, single submitter. Criteria: Invitae Variant Classification Sherloc (09022015). Collection method: clinical testing. Allele origin: germline.
Comment: This sequence change falls in intron 13 of the IDUA gene. It does not directly change the encoded amino acid sequence of the IDUA protein. It affects a nucleotide within the consensus splice site. This variant is present in population databases (rs565649151, gnomAD 0.1%). This variant has not been reported in the literature in individuals affected with IDUA-related conditions. ClinVar contains an entry for this variant (Variation ID: 928996). Variants that disrupt the consensus splice site are a relatively common cause of aberrant splicing (PMID: 17576681, 9536098). Algorithms developed to predict the effect of sequence changes on RNA splicing suggest that this variant may create or strengthen a splice site. In summary, the available evidence is currently insufficient to determine the role of this variant in disease. Therefore, it has been classified as a Variant of Uncertain Significance.

Revvity Omics, Revvity
Classification: Uncertain significance. Last evaluated: 2022-01-03. Review status: criteria provided, single submitter. Criteria: ACMG Guidelines, 2015. Collection method: clinical testing. Allele origin: germline.

Pangenia Genomics, Pangenia Inc.
Classification: Uncertain significance for Mucopolysaccharidosis type 1. Last evaluated: 2021-11-18. Review status: criteria provided, single submitter. Criteria: ACMG Guidelines, 2015. Collection method: research. Allele origin: unknown. Inheritance: Autosomal recessive inheritance. Affected: yes. Observed: 1 heterozygote.
Comment: This variant is at extremely low frequency in population database; allele frequency in East Asia population is 0.0011 by gnomAD v2.1.1. Multiple lines of computational evidence support a deleterious effect on the gene or gene product. This variant has submissions in ClinVar (Variation ID: 928996), rated as uncertain significance.

Natera, Inc.
Classification: Uncertain significance for Mucopolysaccharidosis type I. Last evaluated: 2020-01-17. Review status: no assertion criteria provided. Collection method: clinical testing. Allele origin: germline. Not counted in ClinVar's aggregate classification.

Literature cited by the submitters: PubMed 34573925 (cited by Women's Health and Genetics/Laboratory Corporation of America, LabCorp); PubMed 17576681 (cited by Labcorp Genetics (formerly Invitae), Labcorp); PubMed 9536098 (cited by Labcorp Genetics (formerly Invitae), Labcorp).